The following is an entry in ClinVar:

NM_004519.4(KCNQ3):c.1844A>G (p.Asp615Gly)

Gene: KCNQ3 (potassium voltage-gated channel subfamily Q member 3; minus strand). Cytogenetic location: 8q24.22.
Variant type: single nucleotide variant.
Coding change: c.1844A>G on transcript NM_004519.4 (MANE Select); coding-DNA position 1844, A replaced by G.
Protein change: p.Asp615Gly; replaces aspartic acid 615 with glycine.
Molecular consequence: missense variant.
Genome position (GRCh38, 1-based): chr8:132,132,220, T>C on the plus strand (A>G on the coding strand, the complement: KCNQ3 is on the minus strand). VCF-style: chr8-132132220-T-C. GRCh37 (hg19) VCF-style: chr8-133144467-T-C.
Other names: c.1484A>G, p.Asp495Gly (NM_001204824.2); short protein forms D615G, D495G.
Identifiers: ClinVar variation 205977 (VCV000205977.9), dbSNP rs777180732, ClinGen allele CA315621.

ClinVar aggregate classification (germline): Uncertain significance (1 of 4 stars; one submission).

Conditions:
Benign neonatal seizures. Also called: Benign neonatal familial convulsions; Benign familial neonatal epilepsy; Benign familial neonatal seizures; Convulsions benign familial neonatal dominant form; Autosomal dominant form of benign neonatal seizures. Identifiers: Orphanet 1949, MedGen C0220669, MONDO:0016027.

Allele frequency attached by ClinVar (database versions not stated): ExAC 0.00002; gnomAD exomes 0.00002; gnomAD 0.00003; TOPMed 0.00003.
gnomAD v4.1: 38 of 1,613,818 alleles (0.0024%); highest among the groups gnomAD compares: Non-Finnish European, 0.003%; no homozygotes.

Submission:

Labcorp Genetics (formerly Invitae), Labcorp
Classification: Uncertain significance for Benign neonatal seizures. Last evaluated: 2024-04-12. Review status: criteria provided, single submitter. Criteria: Invitae Variant Classification Sherloc (09022015). Collection method: clinical testing. Allele origin: germline.
Comment: This sequence change replaces aspartic acid, which is acidic and polar, with glycine, which is neutral and non-polar, at codon 615 of the KCNQ3 protein (p.Asp615Gly). This variant is present in population databases (rs777180732, gnomAD 0.005%). This variant has not been reported in the literature in individuals affected with KCNQ3-related conditions. ClinVar contains an entry for this variant (Variation ID: 205977). Advanced modeling of protein sequence and biophysical properties (such as structural, functional, and spatial information, amino acid conservation, physicochemical variation, residue mobility, and thermodynamic stability) performed at Invitae indicates that this missense variant is not expected to disrupt KCNQ3 protein function with a negative predictive value of 80%. In summary, the available evidence is currently insufficient to determine the role of this variant in disease. Therefore, it has been classified as a Variant of Uncertain Significance.